The following is an entry in ClinVar:

ClinVar aggregate classification (germline): Uncertain significance (1 of 4 stars; one submission).

Conditions:
Galactosylceramide beta-galactosidase deficiency. Also called: GALACTOCEREBROSIDASE DEFICIENCY; GALC DEFICIENCY; GLOBOID CELL LEUKOENCEPHALOPATHY; Leukodystrophy, Globoid Cell; Krabbe Disease. Identifiers: Orphanet 487, MedGen C0023521, MONDO:0009499, OMIM 245200.

gnomAD v4.1: 22 of 1,613,646 alleles (0.0014%); highest among the groups gnomAD compares: Non-Finnish European, 0.0018%; no homozygotes.

Submission:

Labcorp Genetics (formerly Invitae), Labcorp
Classification: Uncertain significance for Galactosylceramide beta-galactosidase deficiency. Last evaluated: 2024-04-08. Review status: criteria provided, single submitter. Criteria: Invitae Variant Classification Sherloc (09022015). Collection method: clinical testing. Allele origin: germline.
Comment: This sequence change replaces isoleucine, which is neutral and non-polar, with valine, which is neutral and non-polar, at codon 102 of the GALC protein (p.Ile102Val). This variant is present in population databases (rs768874101, gnomAD 0.0009%). This variant has not been reported in the literature in individuals affected with GALC-related conditions. Advanced modeling of protein sequence and biophysical properties (such as structural, functional, and spatial information, amino acid conservation, physicochemical variation, residue mobility, and thermodynamic stability) has been performed at Invitae for this missense variant, however the output from this modeling did not meet the statistical confidence thresholds required to predict the impact of this variant on GALC protein function. In summary, the available evidence is currently insufficient to determine the role of this variant in disease. Therefore, it has been classified as a Variant of Uncertain Significance.

NM_000153.4(GALC):c.304A>G (p.Ile102Val)

Gene: GALC (galactosylceramidase; minus strand). Cytogenetic location: 14q31.3.
Variant type: single nucleotide variant.
Coding change: c.304A>G on transcript NM_000153.4 (MANE Select); coding-DNA position 304, A replaced by G.
Protein change: p.Ile102Val; replaces isoleucine 102 with valine.
Molecular consequence: missense variant. On other transcripts: 5 prime UTR variant (4), non-coding transcript variant (1).
Genome position (GRCh38, 1-based): chr14:87,988,168, T>C on the plus strand (A>G on the coding strand, the complement: GALC is on the minus strand). VCF-style: chr14-87988168-T-C. GRCh37 (hg19) VCF-style: chr14-88454512-T-C.
Other names: c.235A>G, p.Ile79Val (NM_001201401.2); c.226A>G, p.Ile76Val (NM_001201402.2); c.136A>G, p.Ile46Val (NM_001424071.1, NM_001424072.1, NM_001424073.1); c.-45A>G (NM_001424074.1); c.-133A>G (NM_001424075.1); c.-364A>G (NM_001424076.1, NM_001424077.1); short protein forms I102V, I46V, I76V, I79V.
Identifiers: ClinVar variation 3697228 (VCV003697228.2).
Genomic context (GRCh38, chr14:87,988,168, plus strand): 5'-TTGATGGGAGAAATCCTATCTCCCAAATTCTCCTACCTGTTGTCTGCCCATCACCACCTA[T>C]TTCCACTTTTAAAATATGCAAAGAGGCACCAAAATTCGGCTGTGAAAAGAAGTAACAGTA-3'
Protein context (NP_000144.2, residues 92-112): GASLHILKVE[Ile102Val]GGDGQTTDGT